The following is an entry in ClinVar:

ClinVar aggregate classification (germline): Likely benign (1 of 4 stars; one submission).

Conditions:
PKD1-related disorder. Also called: PKD1-related condition.

gnomAD v4.1: 19 of 1,594,244 alleles (0.0012%); highest among the groups gnomAD compares: Middle Eastern, 0.09%; no homozygotes.

Submission:

PreventionGenetics, part of Exact Sciences
Classification: Likely benign for PKD1-related condition. Last evaluated: 2026-05-10. Review status: criteria provided, single submitter. Criteria: ACMG Guidelines, 2015. Collection method: clinical testing. Allele origin: germline.
Comment: This variant is classified as likely benign based on ACMG/AMP sequence variant interpretation guidelines (Richards et al. 2015 PMID: 25741868, with internal and published modifications).

NM_001009944.3(PKD1):c.2487T>C (p.Pro829=)

Gene: PKD1 (polycystin 1, transient receptor potential channel interacting; minus strand). Cytogenetic location: 16p13.3.
Variant type: single nucleotide variant.
Coding change: c.2487T>C on transcript NM_001009944.3 (MANE Select); coding-DNA position 2487, T replaced by C.
Protein change: p.Pro829=; no amino-acid change (proline 829 retained).
Molecular consequence: synonymous variant.
Genome position (GRCh38, 1-based): chr16:2,114,536, A>G on the plus strand (T>C on the coding strand, the complement: PKD1 is on the minus strand). VCF-style: chr16-2114536-A-G. GRCh37 (hg19) VCF-style: chr16-2164537-A-G.
Other names: c.2487T>C, p.Pro829= (NM_000296.4).
Identifiers: ClinVar variation 4985099 (VCV004985099.1).
Genomic context (GRCh38, chr16:2,114,536, plus strand): 5'-CACCTGGAGCACCAAGGCTGAGCCGTTGGTGGGCACGTAGAGGCGGCCGTCGCGGGGGGC[A>G]GGGTAGATGACCCGCAGCCCAGCCACTGGGGAGACCACGTCAAAGCTGCAGGAGAGGTTG-3'
Protein context (NP_001009944.3, residues 819-839): SPVAGLRVIY[Pro829=]APRDGRLYVP